The following is an entry in ClinVar:

NM_001134363.3(RBM20):c.1356A>G (p.Ile452Met)

Gene: RBM20 (RNA binding motif protein 20; plus strand). Cytogenetic location: 10q25.2.
Variant type: single nucleotide variant.
Coding change: c.1356A>G on transcript NM_001134363.3 (MANE Select); coding-DNA position 1356, A replaced by G.
Protein change: p.Ile452Met; replaces isoleucine 452 with methionine.
Molecular consequence: missense variant.
Genome position (GRCh38, 1-based): chr10:110,784,359, A>G. VCF-style: chr10-110784359-A-G. GRCh37 (hg19) VCF-style: chr10-112544117-A-G.
Other names: short protein forms I452M.
Identifiers: ClinVar variation 4802650 (VCV004802650.1).

ClinVar aggregate classification (germline): Uncertain significance (1 of 4 stars; one submission).

Conditions:
Dilated cardiomyopathy 1DD (CMD1DD). Identifiers: Orphanet 154, MedGen C2750995, MONDO:0013168, OMIM 613172.

Submission:

Labcorp Genetics (formerly Invitae), Labcorp
Classification: Uncertain significance for Dilated cardiomyopathy 1DD. Last evaluated: 2025-06-04. Review status: criteria provided, single submitter. Criteria: Invitae Variant Classification Sherloc (09022015). Collection method: clinical testing. Allele origin: germline.
Comment: This sequence change replaces isoleucine, which is neutral and non-polar, with methionine, which is neutral and non-polar, at codon 452 of the RBM20 protein (p.Ile452Met). This variant is not present in population databases (gnomAD no frequency). This variant has not been reported in the literature in individuals affected with RBM20-related conditions. Invitae Evidence Modeling of protein sequence and biophysical properties (such as structural, functional, and spatial information, amino acid conservation, physicochemical variation, residue mobility, and thermodynamic stability) indicates that this missense variant is not expected to disrupt RBM20 protein function with a negative predictive value of 95%. In summary, the available evidence is currently insufficient to determine the role of this variant in disease. Therefore, it has been classified as a Variant of Uncertain Significance.